The following is an entry in ClinVar:

ClinVar aggregate classification (germline): Uncertain significance (1 of 4 stars; one submission).

Conditions:
Adams-Oliver syndrome 5 (AOS5). Identifiers: Orphanet 974, MedGen C4014970, MONDO:0014459, OMIM 616028.

Submission:

Labcorp Genetics (formerly Invitae), Labcorp
Classification: Uncertain significance for Adams-Oliver syndrome 5. Last evaluated: 2022-08-26. Review status: criteria provided, single submitter. Criteria: Invitae Variant Classification Sherloc (09022015). Collection method: clinical testing. Allele origin: germline.
Comment: In summary, the available evidence is currently insufficient to determine the role of this variant in disease. Therefore, it has been classified as a Variant of Uncertain Significance. Algorithms developed to predict the effect of sequence changes on RNA splicing suggest that this variant may disrupt the consensus splice site. This variant has been observed in individual(s) with left-sided congenital heart disease (PMID: 26820064). It has also been observed to segregate with disease in related individuals. This variant is not present in population databases (gnomAD no frequency). This sequence change falls in intron 10 of the NOTCH1 gene. It does not directly change the encoded amino acid sequence of the NOTCH1 protein.

Literature cited by the submitters: PubMed 26820064.

NM_017617.5(NOTCH1):c.1670-7G>A

Gene: NOTCH1 (notch receptor 1; minus strand). Cytogenetic location: 9q34.3.
Variant type: single nucleotide variant.
Coding change: c.1670-7G>A on transcript NM_017617.5 (MANE Select); 7 bases into the intron before coding-DNA position 1670, G replaced by A.
Molecular consequence: intron variant.
Genome position (GRCh38, 1-based): chr9:136,515,723, C>T on the plus strand (G>A on the coding strand, the complement: NOTCH1 is on the minus strand). VCF-style: chr9-136515723-C-T. GRCh37 (hg19) VCF-style: chr9-139410175-C-T.
Identifiers: ClinVar variation 2136838 (VCV002136838.4), dbSNP rs1242028632, ClinGen allele CA2579519042.